The following is an entry in ClinVar:

ClinVar aggregate classification (germline): Uncertain significance (1 of 4 stars; one submission).

Allele frequency attached by ClinVar (database versions not stated): gnomAD 0.00002; TOPMed 0.00005; gnomAD exomes 0.00007; ExAC 0.00009.
gnomAD v4.1: 53 of 1,556,136 alleles (0.0034%); highest among the groups gnomAD compares: Non-Finnish European, 0.0045%; no homozygotes.

Submission:

Labcorp Genetics (formerly Invitae), Labcorp
Classification: Uncertain significance. Last evaluated: 2022-09-01. Review status: criteria provided, single submitter. Criteria: Invitae Variant Classification Sherloc (09022015). Collection method: clinical testing. Allele origin: germline.
Comment: This sequence change replaces isoleucine, which is neutral and non-polar, with leucine, which is neutral and non-polar, at codon 833 of the MCM4 protein (p.Ile833Leu). In summary, the available evidence is currently insufficient to determine the role of this variant in disease. Therefore, it has been classified as a Variant of Uncertain Significance. Algorithms developed to predict the effect of missense changes on protein structure and function (SIFT, PolyPhen-2, Align-GVGD) all suggest that this variant is likely to be tolerated. ClinVar contains an entry for this variant (Variation ID: 1511371). This variant has not been reported in the literature in individuals affected with MCM4-related conditions. This variant is present in population databases (rs746394943, gnomAD 0.01%).

NM_182746.3(MCM4):c.2497A>C (p.Ile833Leu)

Gene: MCM4 (minichromosome maintenance complex component 4; plus strand). Cytogenetic location: 8q11.21.
Variant type: single nucleotide variant.
Coding change: c.2497A>C on transcript NM_182746.3 (MANE Select); coding-DNA position 2497, A replaced by C.
Protein change: p.Ile833Leu; replaces isoleucine 833 with leucine.
Molecular consequence: missense variant.
Genome position (GRCh38, 1-based): chr8:47,975,846, A>C. VCF-style: chr8-47975846-A-C. GRCh37 (hg19) VCF-style: chr8-48888406-A-C.
Other names: c.2497A>C, p.Ile833Leu (NM_005914.4); short protein forms I833L.
Identifiers: ClinVar variation 1511371 (VCV001511371.6), dbSNP rs746394943, ClinGen allele CA4742927.
Genomic context (GRCh38, chr8:47,975,846, plus strand): 5'-GGCAAAACACCAGCTCTAAAATACCAGCAACTTTTTGAAGATATTCGGGGACAATCTGAC[A>C]TAGTAAGTGTTTATATGTATTTTTTGTTTGATAGAGCTTTCTCTTTTTCCTTAATATTGC-3'
Protein context (NP_877423.1, residues 823-843): LFEDIRGQSD[Ile833Leu]AITKDMFEEA